The following is an entry in ClinVar:

NM_000142.5(FGFR3):c.720G>A (p.Thr240=)

Gene: FGFR3 (fibroblast growth factor receptor 3; plus strand). Cytogenetic location: 4p16.3.
Variant type: single nucleotide variant.
Coding change: c.720G>A on transcript NM_000142.5 (MANE Select); coding-DNA position 720, G replaced by A.
Protein change: p.Thr240=; no amino-acid change (threonine 240 retained).
Molecular consequence: synonymous variant. On other transcripts: non-coding transcript variant (1).
Genome position (GRCh38, 1-based): chr4:1,801,724, G>A. VCF-style: chr4-1801724-G-A. GRCh37 (hg19) VCF-style: chr4-1803451-G-A.
Other names: c.720G>A, p.Thr240= (NM_001163213.2, NM_001354809.2, NM_001354810.2 and 1 more transcripts).
Identifiers: ClinVar variation 3037592 (VCV003037592.2), dbSNP rs369366713, ClinGen allele CA91249567.
Genomic context (GRCh38, chr4:1,801,724, plus strand): 5'-CTCGGACCGCGGCAACTACACCTGCGTCGTGGAGAACAAGTTTGGCAGCATCCGGCAGAC[G>A]TACACGCTGGACGTGCTGGGTGAGGGCCCTGGGGCGGCGCGGGGGTGGGGGCGGCAGTGG-3'
Protein context (NP_000133.1, residues 230-250): VENKFGSIRQ[Thr240=]YTLDVLERSP

ClinVar aggregate classification (germline): Likely benign (0 of 4 stars; one submission).

Conditions:
FGFR3-related disorder. Also called: FGFR3-related disorders.

Allele frequency attached by ClinVar (database versions not stated): gnomAD 0.00004; ESP Exome Variant Server 0.00008; gnomAD exomes 0.00001.
gnomAD v4.1: 13 of 1,607,196 alleles (0.00081%); highest among the groups gnomAD compares: African/African-American, 0.0067%; no homozygotes.

Submission:

PreventionGenetics, part of Exact Sciences
Classification: Likely benign for FGFR3-related condition. Last evaluated: 2019-05-03. Review status: no assertion criteria provided. Collection method: clinical testing. Allele origin: germline.
Comment: This variant is classified as likely benign based on ACMG/AMP sequence variant interpretation guidelines (Richards et al. 2015 PMID: 25741868, with internal and published modifications).